The following is an entry in ClinVar:

NM_001360.3(DHCR7):c.1393G>T (p.Ala465Ser)

Gene: DHCR7 (7-dehydrocholesterol reductase; minus strand). Cytogenetic location: 11q13.4.
Variant type: single nucleotide variant.
Coding change: c.1393G>T on transcript NM_001360.3 (MANE Select); coding-DNA position 1393, G replaced by T.
Protein change: p.Ala465Ser; replaces alanine 465 with serine.
Molecular consequence: missense variant.
Genome position (GRCh38, 1-based): chr11:71,435,410, C>A on the plus strand (G>T on the coding strand, the complement: DHCR7 is on the minus strand). VCF-style: chr11-71435410-C-A. GRCh37 (hg19) VCF-style: chr11-71146456-C-A.
Other names: c.1393G>T, p.Ala465Ser (NM_001163817.2); short protein forms A465S.
Identifiers: ClinVar variation 2028739 (VCV002028739.4), dbSNP rs1253213550, ClinGen allele CA381700504.

ClinVar aggregate classification (germline): Uncertain significance (1 of 4 stars; one submission).

Conditions:
Smith-Lemli-Opitz syndrome (SLOS). Also called: LETHAL ACRODYSGENITAL SYNDROME; POLYDACTYLY, SEX REVERSAL, RENAL HYPOPLASIA, AND UNILOBAR LUNG; RSH SYNDROME; RUTLEDGE LETHAL MULTIPLE CONGENITAL ANOMALY SYNDROME; 7-Dehydrocholesterol reductase deficiency. Identifiers: Orphanet 818, MedGen C0175694, MONDO:0010035, OMIM 270400.

Submission:

Labcorp Genetics (formerly Invitae), Labcorp
Classification: Uncertain significance for Smith-Lemli-Opitz syndrome. Last evaluated: 2026-01-05. Review status: criteria provided, single submitter. Criteria: Invitae Variant Classification Sherloc (09022015). Collection method: clinical testing. Allele origin: germline.
Comment: This sequence change replaces alanine, which is neutral and non-polar, with serine, which is neutral and polar, at codon 465 of the DHCR7 protein (p.Ala465Ser). This variant is not present in population databases (gnomAD no frequency). This variant has not been reported in the literature in individuals affected with DHCR7-related conditions. ClinVar contains an entry for this variant (Variation ID: 2028739). Invitae Evidence Modeling of protein sequence and biophysical properties (such as structural, functional, and spatial information, amino acid conservation, physicochemical variation, residue mobility, and thermodynamic stability) has been performed for this missense variant. However, the output from this modeling did not meet the statistical confidence thresholds required to predict the impact of this variant on DHCR7 protein function. In summary, the available evidence is currently insufficient to determine the role of this variant in disease. Therefore, it has been classified as a Variant of Uncertain Significance.